The following is an entry in ClinVar:

NM_006361.6(HOXB13):c.658C>A (p.Arg220Ser)

Gene: HOXB13 (homeobox B13; minus strand). Cytogenetic location: 17q21.32.
Variant type: single nucleotide variant.
Coding change: c.658C>A on transcript NM_006361.6 (MANE Select); coding-DNA position 658, C replaced by A.
Protein change: p.Arg220Ser; replaces arginine 220 with serine.
Molecular consequence: missense variant.
Genome position (GRCh38, 1-based): chr17:48,726,987, G>T on the plus strand (C>A on the coding strand, the complement: HOXB13 is on the minus strand). VCF-style: chr17-48726987-G-T. GRCh37 (hg19) VCF-style: chr17-46804349-G-T.
Other names: short protein forms R220S.
Identifiers: ClinVar variation 1754340 (VCV001754340.5), dbSNP rs2143067303, ClinGen allele CA400106814.
Genomic context (GRCh38, chr17:48,726,987, plus strand): 5'-ACTTGTTAGCCGCATACTCCCGCTCCAGCTCCCGCAACTGCCCCTTGCTGTACGGAATGC[G>T]TTTCTTGCGGCCGCGACGAAAGGCGCAGGCGTCAGGAGGGTGCTGCCCGCTGGAGTCTGC-3'
Protein context (NP_006352.2, residues 210-230): ACAFRRGRKK[Arg220Ser]IPYSKGQLRE

ClinVar aggregate classification (germline): Uncertain significance. Review status: criteria provided, multiple submitters, no conflicts (2 of 4 stars). 2 submissions from 2 submitters: Uncertain significance (2). Last evaluated 2025-03-14.

Conditions:
Hereditary cancer-predisposing syndrome. Also called: Neoplastic Syndromes, Hereditary; Tumor predisposition; Hereditary Cancer Syndrome; Hereditary neoplastic syndrome. Identifiers: Orphanet 140162, MedGen C0027672, MeSH D009386, MONDO:0015356.

Submissions (2):

Ambry Genetics
Classification: Uncertain significance for Hereditary cancer-predisposing syndrome. Last evaluated: 2025-03-14. Review status: criteria provided, single submitter. Criteria: Ambry Variant Classification Scheme 2023. Collection method: clinical testing. Allele origin: germline.
Comment: The p.R220S variant (also known as c.658C>A), located in coding exon 2 of the HOXB13 gene, results from a C to A substitution at nucleotide position 658. The arginine at codon 220 is replaced by serine, an amino acid with dissimilar properties. This amino acid position is conserved. In addition, this alteration is predicted to be deleterious by in silico analysis. Since supporting evidence is limited at this time, the clinical significance of this alteration remains unclear.

Labcorp Genetics (formerly Invitae), Labcorp
Classification: Uncertain significance. Last evaluated: 2024-06-15. Review status: criteria provided, single submitter. Criteria: Invitae Variant Classification Sherloc (09022015). Collection method: clinical testing. Allele origin: germline.
Comment: This sequence change replaces arginine, which is basic and polar, with serine, which is neutral and polar, at codon 220 of the HOXB13 protein (p.Arg220Ser). This variant is not present in population databases (gnomAD no frequency). This variant has not been reported in the literature in individuals affected with HOXB13-related conditions. ClinVar contains an entry for this variant (Variation ID: 1754340). Advanced modeling of protein sequence and biophysical properties (such as structural, functional, and spatial information, amino acid conservation, physicochemical variation, residue mobility, and thermodynamic stability) performed at Invitae indicates that this missense variant is expected to disrupt HOXB13 protein function with a positive predictive value of 80%. In summary, the available evidence is currently insufficient to determine the role of this variant in disease. Therefore, it has been classified as a Variant of Uncertain Significance.